The following is an entry in ClinVar:

ClinVar aggregate classification (germline): Uncertain significance (1 of 4 stars; one submission).

Submission:

GeneDx
Classification: Uncertain significance. Last evaluated: 2024-02-21. Review status: criteria provided, single submitter. Criteria: GeneDx Variant Classification Process June 2021. Collection method: clinical testing. Allele origin: germline. Affected: yes.
Comment: Has not been previously published as pathogenic or benign to our knowledge; Frameshift variant predicted to result in protein truncation in a gene for which loss of function is a known mechanism of disease; Not observed at significant frequency in large population cohorts (gnomAD)

NM_001563.4(IMPG1):c.2160dup (p.Ser721fs)

Gene: IMPG1 (interphotoreceptor matrix proteoglycan 1; minus strand). Cytogenetic location: 6q14.1.
Variant type: Duplication.
Coding change: c.2160dup on transcript NM_001563.4 (MANE Select); coding-DNA position 2160, one base duplicated (G; older notation c.2160dupG).
Protein change: p.Ser721fs; shifts the reading frame from serine 721.
Molecular consequence: frameshift variant.
Genome position (GRCh38, 1-based): chr6:75,931,036, C duplicated on the plus strand (G on the coding strand, the reverse complement: IMPG1 is on the minus strand); the first of 4 consecutive C bases (chr6:75,931,036-75,931,039); duplicating any one gives the same sequence. VCF-style (leftmost placement, unchanged base first): chr6-75931035-T-TC. GRCh37 (hg19) VCF-style: chr6-76640752-T-TC.
Other names: c.1926dup, p.Ser643fs (NM_001282368.2); short protein forms S643fs, S721fs.
Identifiers: ClinVar variation 3369595 (VCV003369595.1).